The following is an entry in ClinVar:

NM_000393.5(COL5A2):c.4303G>A (p.Ala1435Thr)

Gene: COL5A2 (collagen type V alpha 2 chain; minus strand). Cytogenetic location: 2q32.2.
Variant type: single nucleotide variant.
Coding change: c.4303G>A on transcript NM_000393.5 (MANE Select); coding-DNA position 4303, G replaced by A.
Protein change: p.Ala1435Thr; replaces alanine 1435 with threonine.
Molecular consequence: missense variant.
Genome position (GRCh38, 1-based): chr2:189,034,966, C>T on the plus strand (G>A on the coding strand, the complement: COL5A2 is on the minus strand). VCF-style: chr2-189034966-C-T. GRCh37 (hg19) VCF-style: chr2-189899692-C-T.
Other names: short protein forms A1435T.
Identifiers: ClinVar variation 1205422 (VCV001205422.3), dbSNP rs2153505971, ClinGen allele CA349854878.

ClinVar aggregate classification (germline): Uncertain significance (1 of 4 stars; one submission).

Submission:

GeneDx
Classification: Uncertain significance. Last evaluated: 2019-04-12. Review status: criteria provided, single submitter. Criteria: GeneDx Variant Classification Process June 2021. Collection method: clinical testing. Allele origin: germline. Affected: yes.
Comment: Has not been previously published as pathogenic or benign to our knowledge; Not located in the triple helical region, where the majority of pathogenic missense variants occur (Symoens et al., 2012; Stenson et al., 2014); In silico analysis, which includes protein predictors and evolutionary conservation, supports a deleterious effect; Not observed in large population cohorts (Lek et al., 2016)